The following is an entry in ClinVar:

ClinVar aggregate classification (germline): Likely benign (1 of 4 stars; one submission).

gnomAD v4.1: 16 of 1,612,042 alleles (0.00099%); highest among the groups gnomAD compares: Admixed American, 0.012%; no homozygotes.

Submission:

CeGaT Center for Human Genetics Tuebingen
Classification: Likely benign. Last evaluated: 2025-02-01. Review status: criteria provided, single submitter. Criteria: CeGaT Center For Human Genetics Tuebingen Variant Classification Criteria Version 2. Collection method: clinical testing. Allele origin: germline. Affected: yes. Observed: 1 variant allele.
Comment: DDR1: BP4, BP7

NM_001297654.2(DDR1):c.657C>T (p.Thr219=)

Gene: DDR1 (discoidin domain receptor tyrosine kinase 1; plus strand). Cytogenetic location: 6p21.33.
Variant type: single nucleotide variant.
Coding change: c.657C>T on transcript NM_001297654.2 (MANE Select); coding-DNA position 657, C replaced by T.
Protein change: p.Thr219=; no amino-acid change (threonine 219 retained).
Molecular consequence: synonymous variant.
Genome position (GRCh38, 1-based): chr6:30,891,471, C>T. VCF-style: chr6-30891471-C-T. GRCh37 (hg19) VCF-style: chr6-30859248-C-T.
Other names: c.657C>T, p.Thr219= (NM_001202521.1, NM_001202522.1, NM_001202523.3 and 32 more transcripts); c.711C>T, p.Thr237= (NM_001410869.1).
Identifiers: ClinVar variation 3772532 (VCV003772532.13).